The following is an entry in ClinVar:

ClinVar aggregate classification (germline): Uncertain significance (1 of 4 stars; one submission).

Allele frequency attached by ClinVar (database versions not stated): gnomAD exomes below 0.00001.
gnomAD v4.1: 3 of 1,614,240 alleles (0.00019%); highest among the groups gnomAD compares: Non-Finnish European, 0.00017%; no homozygotes.

Submission:

Labcorp Genetics (formerly Invitae), Labcorp
Classification: Uncertain significance. Last evaluated: 2024-08-13. Review status: criteria provided, single submitter. Criteria: Invitae Variant Classification Sherloc (09022015). Collection method: clinical testing. Allele origin: germline.
Comment: This sequence change replaces methionine, which is neutral and non-polar, with valine, which is neutral and non-polar, at codon 755 of the EXTL3 protein (p.Met755Val). This variant is not present in population databases (gnomAD no frequency). This variant has not been reported in the literature in individuals affected with EXTL3-related conditions. ClinVar contains an entry for this variant (Variation ID: 1993036). Invitae Evidence Modeling of protein sequence and biophysical properties (such as structural, functional, and spatial information, amino acid conservation, physicochemical variation, residue mobility, and thermodynamic stability) indicates that this missense variant is not expected to disrupt EXTL3 protein function with a negative predictive value of 80%. In summary, the available evidence is currently insufficient to determine the role of this variant in disease. Therefore, it has been classified as a Variant of Uncertain Significance.

NM_001440.4(EXTL3):c.2263A>G (p.Met755Val)

Gene: EXTL3 (exostosin like glycosyltransferase 3; plus strand). Cytogenetic location: 8p21.1.
Variant type: single nucleotide variant.
Coding change: c.2263A>G on transcript NM_001440.4 (MANE Select); coding-DNA position 2263, A replaced by G.
Protein change: p.Met755Val; replaces methionine 755 with valine.
Molecular consequence: missense variant. On other transcripts: non-coding transcript variant (1).
Genome position (GRCh38, 1-based): chr8:28,731,337, A>G. VCF-style: chr8-28731337-A-G. GRCh37 (hg19) VCF-style: chr8-28588854-A-G.
Other names: short protein forms M755V.
Identifiers: ClinVar variation 1993036 (VCV001993036.3), dbSNP rs1801534204, ClinGen allele CA370862563.